The following is an entry in ClinVar:

NM_001029896.2(WDR45):c.773_787del (p.Lys258_His262del)

Gene: WDR45 (WD repeat domain 45; minus strand). Cytogenetic location: Xp11.23.
Variant type: Deletion.
Coding change: c.773_787del on transcript NM_001029896.2 (MANE Select); coding-DNA positions 773 to 787, 15 bases deleted (AGGGTACTGTCCATA).
Protein change: p.Lys258_His262del.
Molecular consequence: inframe deletion.
Genome position (GRCh38, 1-based): chrX:49,075,404-49,075,418, TATGGACAGTACCCT deleted on the plus strand (AGGGTACTGTCCATA on the coding strand, the reverse complement: WDR45 is on the minus strand); deleting any 15 consecutive bases within chrX:49,075,404-49,075,421 gives the same sequence; the c. name uses the placement nearest the transcript's 3' end. VCF-style (leftmost placement, unchanged base first): chrX-49075403-ATATGGACAGTACCCT-A. GRCh37 (hg19) VCF-style: chrX-48933062-ATATGGACAGTACCCT-A.
Other names: c.776_790del, p.Lys259_His263del (NM_007075.4).
Identifiers: ClinVar variation 2572404 (VCV002572404.1), dbSNP rs2520260891, ClinGen allele CA2580617041.

ClinVar aggregate classification (germline): Uncertain significance (1 of 4 stars; one submission).

Conditions:
Neurodegeneration with brain iron accumulation 5 (NBIA5). Also called: STATIC ENCEPHALOPATHY OF CHILDHOOD WITH NEURODEGENERATION IN ADULTHOOD; Beta-propeller protein-associated neurodegeneration. Identifiers: Orphanet 329284, MedGen C3550973, MONDO:0010476, OMIM 300894.

Submission:

3billion
Classification: Uncertain significance for Neurodegeneration with brain iron accumulation 5. Review status: criteria provided, single submitter. Criteria: ACMG Guidelines, 2015. Collection method: clinical testing. Allele origin: unknown. Affected: yes. Observed: 1 heterozygote.
Comment: The variant is not observed in the gnomAD v2.1.1 dataset. Inframe deletion located in a nonrepeat region: predicted to change the length of the protein and disrupt normal protein function. Therefore, this variant is classified as Uncertain significance according to the recommendation of ACMG/AMP guideline.